The following is an entry in ClinVar:

NM_174916.3(UBR1):c.3556G>A (p.Asp1186Asn)

Gene: UBR1 (ubiquitin protein ligase E3 component n-recognin 1; minus strand). Cytogenetic location: 15q15.2.
Variant type: single nucleotide variant.
Coding change: c.3556G>A on transcript NM_174916.3 (MANE Select); coding-DNA position 3556, G replaced by A.
Protein change: p.Asp1186Asn; replaces aspartic acid 1186 with asparagine.
Molecular consequence: missense variant.
Genome position (GRCh38, 1-based): chr15:43,002,658, C>T on the plus strand (G>A on the coding strand, the complement: UBR1 is on the minus strand). VCF-style: chr15-43002658-C-T. GRCh37 (hg19) VCF-style: chr15-43294856-C-T.
Other names: short protein forms D1186N.
Identifiers: ClinVar variation 1996905 (VCV001996905.4), dbSNP rs2542941512, ClinGen allele CA392056651.

ClinVar aggregate classification (germline): Uncertain significance (1 of 4 stars; one submission).

Submission:

Labcorp Genetics (formerly Invitae), Labcorp
Classification: Uncertain significance. Last evaluated: 2024-01-22. Review status: criteria provided, single submitter. Criteria: Invitae Variant Classification Sherloc (09022015). Collection method: clinical testing. Allele origin: germline.
Comment: This sequence change replaces aspartic acid, which is acidic and polar, with asparagine, which is neutral and polar, at codon 1186 of the UBR1 protein (p.Asp1186Asn). This variant is not present in population databases (gnomAD no frequency). This variant has not been reported in the literature in individuals affected with UBR1-related conditions. ClinVar contains an entry for this variant (Variation ID: 1996905). Advanced modeling of protein sequence and biophysical properties (such as structural, functional, and spatial information, amino acid conservation, physicochemical variation, residue mobility, and thermodynamic stability) performed at Invitae indicates that this missense variant is not expected to disrupt UBR1 protein function with a negative predictive value of 80%. In summary, the available evidence is currently insufficient to determine the role of this variant in disease. Therefore, it has been classified as a Variant of Uncertain Significance.